The following is an entry in ClinVar:

ClinVar aggregate classification (germline): Uncertain significance (1 of 4 stars; one submission).

gnomAD v4.1: 27 of 1,606,036 alleles (0.0017%); highest among the groups gnomAD compares: Non-Finnish European, 0.0022%; no homozygotes.

Submission:

GeneDx
Classification: Uncertain significance. Last evaluated: 2021-02-19. Review status: criteria provided, single submitter. Criteria: GeneDx Variant Classification Process June 2021. Collection method: clinical testing. Allele origin: germline. Affected: yes.
Comment: Not observed at a significant frequency in large population cohorts (Lek et al., 2016); In silico analysis supports that this missense variant does not alter protein structure/function; Has not been previously published as pathogenic or benign to our knowledge

NM_001271938.2(MEGF8):c.7774G>T (p.Val2592Leu)

Gene: MEGF8 (multiple EGF like domains 8; plus strand). Cytogenetic location: 19q13.2.
Variant type: single nucleotide variant.
Coding change: c.7774G>T on transcript NM_001271938.2 (MANE Select); coding-DNA position 7774, G replaced by T.
Protein change: p.Val2592Leu; replaces valine 2592 with leucine.
Molecular consequence: missense variant.
Genome position (GRCh38, 1-based): chr19:42,376,011, G>T. VCF-style: chr19-42376011-G-T. GRCh37 (hg19) VCF-style: chr19-42880163-G-T.
Other names: c.7573G>T, p.Val2525Leu (NM_001410.3); short protein forms V2525L, V2592L.
Identifiers: ClinVar variation 1303888 (VCV001303888.2), dbSNP rs148860986, ClinGen allele CA406141567.